The following is an entry in ClinVar:

NM_001353345.2(SETD1B):c.3100del (p.Glu1034fs)

Gene: SETD1B (SET domain containing 1B, histone lysine methyltransferase; plus strand). Cytogenetic location: 12q24.31.
Variant type: Deletion.
Coding change: c.3100del on transcript NM_001353345.2 (MANE Select); coding-DNA position 3100, one base deleted (G; older notation c.3100delG).
Protein change: p.Glu1034fs; shifts the reading frame from glutamic acid 1034.
Molecular consequence: frameshift variant.
Genome position (GRCh38, 1-based): chr12:121,817,492, G deleted; the last of 4 consecutive G bases (chr12:121,817,489-121,817,492); deleting any one gives the same sequence. VCF-style (leftmost placement, unchanged base first): chr12-121817488-TG-T. GRCh37 (hg19) VCF-style: chr12-122255394-TG-T.
Other names: NM_015048.1:c.3100delG; short protein forms E1034fs.
Identifiers: ClinVar variation 2631674 (VCV002631674.3), dbSNP rs2500213316, ClinGen allele CA2695199181.
Genomic context (GRCh38, chr12:121,817,488, plus strand): 5'-GGACCCCAAGGGCGTGGGTGTGCGGCGGCGGCCGGCGCGGCCTCTGGAGCTGGACAGTGG[TG>T]GGGAGGAGGACGAGAAGGAGTCATTGTCGGCGTCCTCGTCCTCATCCGCGTCATCATCCT-3'

ClinVar aggregate classification (germline): Pathogenic (0 of 4 stars; one submission).

Conditions:
SETD1B-related disorder. Also called: SETD1B-related condition.

Submission:

PreventionGenetics, part of Exact Sciences
Classification: Pathogenic for SETD1B-related condition. Last evaluated: 2024-01-04. Review status: no assertion criteria provided. Collection method: clinical testing. Allele origin: germline.
Comment: The SETD1B c.3100delG variant is predicted to result in a frameshift and premature protein termination (p.Glu1034Argfs*67). To our knowledge, this variant has not been reported in the literature or in a large population database, indicating this variant is rare. Frameshift variants in SETD1B are expected to be pathogenic. This variant is interpreted as pathogenic.